The following is an entry in ClinVar:

ClinVar aggregate classification (germline): Uncertain significance (1 of 4 stars; one submission).

Allele frequency attached by ClinVar (database versions not stated): TOPMed 0.00001.
gnomAD v4.1: 14 of 1,614,186 alleles (0.00087%); highest among the groups gnomAD compares: Non-Finnish European, 0.0012%; no homozygotes.

Submission:

Labcorp Genetics (formerly Invitae), Labcorp
Classification: Uncertain significance. Last evaluated: 2022-05-06. Review status: criteria provided, single submitter. Criteria: Invitae Variant Classification Sherloc (09022015). Collection method: clinical testing. Allele origin: germline.
Comment: This sequence change replaces aspartic acid, which is acidic and polar, with asparagine, which is neutral and polar, at codon 332 of the ASAH1 protein (p.Asp332Asn). This variant is present in population databases (no rsID available, gnomAD 0.0009%). This variant has not been reported in the literature in individuals affected with ASAH1-related conditions. ClinVar contains an entry for this variant (Variation ID: 1056524). Algorithms developed to predict the effect of missense changes on protein structure and function output the following: SIFT: "Tolerated"; PolyPhen-2: "Benign"; Align-GVGD: "Class C0". The asparagine amino acid residue is found in multiple mammalian species, which suggests that this missense change does not adversely affect protein function. In summary, the available evidence is currently insufficient to determine the role of this variant in disease. Therefore, it has been classified as a Variant of Uncertain Significance.

NM_177924.5(ASAH1):c.994G>A (p.Asp332Asn)

Gene: ASAH1 (N-acylsphingosine amidohydrolase 1; minus strand). Cytogenetic location: 8p22.
Variant type: single nucleotide variant.
Coding change: c.994G>A on transcript NM_177924.5 (MANE Select); coding-DNA position 994, G replaced by A.
Protein change: p.Asp332Asn; replaces aspartic acid 332 with asparagine.
Molecular consequence: missense variant.
Genome position (GRCh38, 1-based): chr8:18,059,388, C>T on the plus strand (G>A on the coding strand, the complement: ASAH1 is on the minus strand). VCF-style: chr8-18059388-C-T. GRCh37 (hg19) VCF-style: chr8-17916897-C-T.
Other names: c.976G>A, p.Asp326Asn (NM_001127505.3); c.799G>A, p.Asp267Asn (NM_001363743.2); c.1042G>A, p.Asp348Asn (NM_004315.6); short protein forms D267N, D326N, D332N, D348N.
Identifiers: ClinVar variation 1056524 (VCV001056524.2), dbSNP rs941670381, ClinGen allele CA370427391.